The following is an entry in ClinVar:

NM_001360.3(DHCR7):c.870G>A (p.Trp290Ter)

Gene: DHCR7 (7-dehydrocholesterol reductase; minus strand). Cytogenetic location: 11q13.4.
Variant type: single nucleotide variant.
Coding change: c.870G>A on transcript NM_001360.3 (MANE Select); coding-DNA position 870, G replaced by A.
Protein change: p.Trp290Ter; replaces tryptophan 290 with a stop codon.
Molecular consequence: nonsense.
Genome position (GRCh38, 1-based): chr11:71,437,905, C>T on the plus strand (G>A on the coding strand, the complement: DHCR7 is on the minus strand). VCF-style: chr11-71437905-C-T. GRCh37 (hg19) VCF-style: chr11-71148951-C-T.
Other names: c.870G>A, p.Trp290Ter (NM_001163817.2); short protein forms W290*.
Identifiers: ClinVar variation 552520 (VCV000552520.12), dbSNP rs774187452, ClinGen allele CA6162410.

ClinVar aggregate classification (germline): Pathogenic/Likely pathogenic. Review status: criteria provided, multiple submitters, no conflicts (2 of 4 stars). 4 submissions from 4 submitters: Pathogenic (1); Likely pathogenic (2). 1 of the submissions does not count toward it. Last evaluated 2025-06-26.

Conditions:
Smith-Lemli-Opitz syndrome (SLOS). Also called: LETHAL ACRODYSGENITAL SYNDROME; POLYDACTYLY, SEX REVERSAL, RENAL HYPOPLASIA, AND UNILOBAR LUNG; RSH SYNDROME; RUTLEDGE LETHAL MULTIPLE CONGENITAL ANOMALY SYNDROME; 7-Dehydrocholesterol reductase deficiency. Identifiers: Orphanet 818, MedGen C0175694, MONDO:0010035, OMIM 270400.

Allele frequency attached by ClinVar (database versions not stated): TOPMed below 0.00001; ExAC 0.00001; gnomAD exomes 0.00001.
gnomAD v4.1: 8 of 1,613,886 alleles (0.0005%); highest among the groups gnomAD compares: Non-Finnish European, 0.00068%; no homozygotes.

Submissions (4):

Natera, Inc.
Classification: Likely pathogenic for Smith-Lemli-Opitz syndrome. Last evaluated: 2025-06-26. Review status: criteria provided, single submitter. Criteria: Natera Variant Classification Schema (03/2026). Collection method: clinical testing. Allele origin: germline.
Comment: The c.870G>A variant in DHCR7 is a nonsense variant predicted to introduce a stop codon at amino acid 290. This variant is expected to result in nonsense mediated decay, truncation, or a dysfunctional protein product. This variant is rare in the general population with a frequency below the threshold expected for the associated phenotype(s). Given the available evidence, this variant is classified as Likely Pathogenic.

Fulgent Genetics
Classification: Likely pathogenic for Smith-Lemli-Opitz syndrome. Last evaluated: 2024-03-01. Review status: criteria provided, single submitter. Criteria: ACMG Guidelines, 2015. Collection method: clinical testing. Allele origin: germline.

Labcorp Genetics (formerly Invitae), Labcorp
Classification: Pathogenic for Smith-Lemli-Opitz syndrome. Last evaluated: 2024-03-01. Review status: criteria provided, single submitter. Criteria: Invitae Variant Classification Sherloc (09022015). Collection method: clinical testing. Allele origin: germline.
Comment: This sequence change creates a premature translational stop signal (p.Trp290*) in the DHCR7 gene. It is expected to result in an absent or disrupted protein product. Loss-of-function variants in DHCR7 are known to be pathogenic (PMID: 9634533, 10677299). This variant is present in population databases (rs774187452, gnomAD 0.002%). This variant has not been reported in the literature in individuals affected with DHCR7-related conditions. ClinVar contains an entry for this variant (Variation ID: 552520). For these reasons, this variant has been classified as Pathogenic.

Counsyl
Classification: Likely pathogenic for Smith-Lemli-Opitz syndrome. Last evaluated: 2017-06-13. Review status: no assertion criteria provided. Collection method: clinical testing. Allele origin: unknown. Not counted in ClinVar's aggregate classification.

Literature cited by the submitters: PubMed 9634533 (cited by Labcorp Genetics (formerly Invitae), Labcorp); PubMed 10677299 (cited by Labcorp Genetics (formerly Invitae), Labcorp).